The following is an entry in ClinVar:

ClinVar aggregate classification (germline): Uncertain significance (1 of 4 stars; one submission).

Conditions:
Cohen syndrome (COH1). Also called: Cutis verticis gyrata, retinitis pigmentosa, and sensorineural deafness; PEPPER SYNDROME. Identifiers: Orphanet 193, MedGen C0265223, MONDO:0008999, OMIM 216550.

Allele frequency attached by ClinVar (database versions not stated): gnomAD exomes below 0.00001; TOPMed below 0.00001; gnomAD 0.00001.
gnomAD v4.1: 6 of 1,612,816 alleles (0.00037%); highest among the groups gnomAD compares: Non-Finnish European, 0.00042%; no homozygotes.

Submission:

Labcorp Genetics (formerly Invitae), Labcorp
Classification: Uncertain significance for Cohen syndrome. Last evaluated: 2022-08-31. Review status: criteria provided, single submitter. Criteria: Invitae Variant Classification Sherloc (09022015). Collection method: clinical testing. Allele origin: germline.
Comment: In summary, the available evidence is currently insufficient to determine the role of this variant in disease. Therefore, it has been classified as a Variant of Uncertain Significance. Algorithms developed to predict the effect of missense changes on protein structure and function are either unavailable or do not agree on the potential impact of this missense change (SIFT: "Not Available"; PolyPhen-2: "Benign"; Align-GVGD: "Not Available"). This variant has not been reported in the literature in individuals affected with VPS13B-related conditions. This variant is present in population databases (no rsID available, gnomAD 0.0009%). This sequence change replaces methionine, which is neutral and non-polar, with valine, which is neutral and non-polar, at codon 86 of the VPS13B protein (p.Met86Val).

NM_152564.5(VPS13B):c.256A>G (p.Met86Val)

Gene: VPS13B (vacuolar protein sorting 13 homolog B; plus strand). Cytogenetic location: 8q22.2.
Variant type: single nucleotide variant.
Coding change: c.256A>G on transcript NM_152564.5 (MANE Select); coding-DNA position 256, A replaced by G.
Protein change: p.Met86Val; replaces methionine 86 with valine.
Molecular consequence: missense variant. On other transcripts: non-coding transcript variant (1).
Genome position (GRCh38, 1-based): chr8:99,038,531, A>G. VCF-style: chr8-99038531-A-G. GRCh37 (hg19) VCF-style: chr8-100050759-A-G.
Other names: c.256A>G, p.Met86Val (NM_015243.3, NM_017890.5, NM_181661.3); short protein forms M86V.
Identifiers: ClinVar variation 1947624 (VCV001947624.5), dbSNP rs1048547943, ClinGen allele CA182874605.